The following is an entry in ClinVar:

ClinVar aggregate classification (germline): Likely pathogenic (1 of 4 stars; one submission).

gnomAD v4.1: 2 of 1,608,842 alleles (0.00012%); highest among the groups gnomAD compares: African/African-American, 0.0013%; no homozygotes.

Submission:

Labcorp Genetics (formerly Invitae), Labcorp
Classification: Likely pathogenic. Last evaluated: 2025-01-24. Review status: criteria provided, single submitter. Criteria: Invitae Variant Classification Sherloc (09022015). Collection method: clinical testing. Allele origin: germline.
Comment: This sequence change affects an acceptor splice site in intron 11 of the C7 gene. It is expected to disrupt RNA splicing. Variants that disrupt the donor or acceptor splice site typically lead to a loss of protein function (PMID: 16199547), and loss-of-function variants in C7 are known to be pathogenic (PMID: 9856499, 17407100). This variant is not present in population databases (gnomAD no frequency). This variant has not been reported in the literature in individuals affected with C7-related conditions. Algorithms developed to predict the effect of sequence changes on RNA splicing suggest that this variant may disrupt the consensus splice site. In summary, the currently available evidence indicates that the variant is pathogenic, but additional data are needed to prove that conclusively. Therefore, this variant has been classified as Likely Pathogenic.

Literature cited by the submitters: PubMed 16199547; PubMed 9856499; PubMed 17407100.

NM_000587.4(C7):c.1490-2A>G

Gene: C7 (complement C7; plus strand). Cytogenetic location: 5p13.1.
Variant type: single nucleotide variant.
Coding change: c.1490-2A>G on transcript NM_000587.4 (MANE Select); the canonical splice acceptor site of the intron before coding-DNA position 1490, A replaced by G.
Molecular consequence: splice acceptor variant.
Genome position (GRCh38, 1-based): chr5:40,959,447, A>G. VCF-style: chr5-40959447-A-G. GRCh37 (hg19) VCF-style: chr5-40959549-A-G.
Identifiers: ClinVar variation 3680794 (VCV003680794.2).
Genomic context (GRCh38, chr5:40,959,447, plus strand): 5'-TAGCACTAAGTTCCCAAGCCCTCTTTAAGAACTTATTGATCAACCTCTTTCTCATCTTGT[A>G]GGAGGGGTTGATGGAGGTTGGAGTTGCTGGTCCTCTTGGAGCCCCTGTGTCCAAGGGAAG-3'